The following is an entry in ClinVar:

ClinVar aggregate classification (germline): Uncertain significance (1 of 4 stars; one submission).

Submission:

Labcorp Genetics (formerly Invitae), Labcorp
Classification: Uncertain significance. Last evaluated: 2022-06-08. Review status: criteria provided, single submitter. Criteria: Invitae Variant Classification Sherloc (09022015). Collection method: clinical testing. Allele origin: germline.
Comment: This sequence change replaces serine, which is neutral and polar, with tyrosine, which is neutral and polar, at codon 916 of the ITGA6 protein (p.Ser916Tyr). In summary, the available evidence is currently insufficient to determine the role of this variant in disease. Therefore, it has been classified as a Variant of Uncertain Significance. Algorithms developed to predict the effect of missense changes on protein structure and function are either unavailable or do not agree on the potential impact of this missense change (SIFT: "Tolerated"; PolyPhen-2: "Possibly Damaging"; Align-GVGD: "Class C0"). This variant has not been reported in the literature in individuals affected with ITGA6-related conditions. This variant is not present in population databases (gnomAD no frequency).

NM_000210.4(ITGA6):c.2747C>A (p.Ser916Tyr)

Genes: ITGA6 (integrin subunit alpha 6; plus strand), PDK1-AS1 (PDK1 and ITGA6 antisense RNA 1; minus strand). Cytogenetic location: 2q31.1.
Variant type: single nucleotide variant.
Coding change: c.2747C>A on transcript NM_000210.4 (MANE Select); coding-DNA position 2747, C replaced by A.
Protein change: p.Ser916Tyr; replaces serine 916 with tyrosine.
Molecular consequence: missense variant.
Genome position (GRCh38, 1-based): chr2:172,491,091, C>A. VCF-style: chr2-172491091-C-A. GRCh37 (hg19) VCF-style: chr2-173355819-C-A.
Other names: c.2747C>A, p.Ser916Tyr (NM_001079818.3); c.2390C>A, p.Ser797Tyr (NM_001316306.2); c.2702C>A, p.Ser901Tyr (NM_001365529.2, NM_001365530.2); c.2864C>A, p.Ser955Tyr (NM_001394928.1); short protein forms S916Y, S797Y, S901Y, S955Y.
Identifiers: ClinVar variation 2003399 (VCV002003399.4), dbSNP rs2468398775, ClinGen allele CA349296566.